The following is an entry in ClinVar:

ClinVar aggregate classification (germline): Uncertain significance. Review status: criteria provided, multiple submitters, no conflicts (2 of 4 stars). 2 submissions from 2 submitters: Uncertain significance (2). Last evaluated 2024-03-23.

Conditions:
Cardiovascular phenotype. Identifiers: MedGen CN230736.
RASopathy. Also called: Noonan spectrum disorder; rasopathies. Identifiers: Orphanet 536391, MedGen C5555857, MONDO:0021060.

Allele frequency attached by ClinVar (database versions not stated): gnomAD exomes below 0.00001; TOPMed below 0.00001.
gnomAD v4.1: 4 of 1,612,404 alleles (0.00025%); highest among the groups gnomAD compares: African/African-American, 0.0013%; no homozygotes.

Submissions (2):

Labcorp Genetics (formerly Invitae), Labcorp
Classification: Uncertain significance for RASopathy. Last evaluated: 2024-03-23. Review status: criteria provided, single submitter. Criteria: Invitae Variant Classification Sherloc (09022015). Collection method: clinical testing. Allele origin: germline.
Comment: This sequence change replaces lysine, which is basic and polar, with glutamine, which is neutral and polar, at codon 258 of the SOS1 protein (p.Lys258Gln). This variant is not present in population databases (gnomAD no frequency). This variant has not been reported in the literature in individuals affected with SOS1-related conditions. ClinVar contains an entry for this variant (Variation ID: 2453703). Advanced modeling of protein sequence and biophysical properties (such as structural, functional, and spatial information, amino acid conservation, physicochemical variation, residue mobility, and thermodynamic stability) has been performed at Invitae for this missense variant, however the output from this modeling did not meet the statistical confidence thresholds required to predict the impact of this variant on SOS1 protein function. In summary, the available evidence is currently insufficient to determine the role of this variant in disease. Therefore, it has been classified as a Variant of Uncertain Significance.

Ambry Genetics
Classification: Uncertain significance for Cardiovascular phenotype. Last evaluated: 2023-02-03. Review status: criteria provided, single submitter. Criteria: Ambry Variant Classification Scheme 2023. Collection method: clinical testing. Allele origin: germline.
Comment: The p.K258Q variant (also known as c.772A>C), located in coding exon 6 of the SOS1 gene, results from an A to C substitution at nucleotide position 772. The lysine at codon 258 is replaced by glutamine, an amino acid with similar properties. This amino acid position is conserved. In addition, the in silico prediction for this alteration is inconclusive. Since supporting evidence is limited at this time, the clinical significance of this alteration remains unclear.

NM_005633.4(SOS1):c.772A>C (p.Lys258Gln)

Gene: SOS1 (SOS Ras/Rac guanine nucleotide exchange factor 1; minus strand). Cytogenetic location: 2p22.1.
Variant type: single nucleotide variant.
Coding change: c.772A>C on transcript NM_005633.4 (MANE Select); coding-DNA position 772, A replaced by C.
Protein change: p.Lys258Gln; replaces lysine 258 with glutamine.
Molecular consequence: missense variant.
Genome position (GRCh38, 1-based): chr2:39,051,236, T>G on the plus strand (A>C on the coding strand, the complement: SOS1 is on the minus strand). VCF-style: chr2-39051236-T-G. GRCh37 (hg19) VCF-style: chr2-39278377-T-G.
Other names: c.751A>C, p.Lys251Gln (NM_001382394.1); c.772A>C, p.Lys258Gln (NM_001382395.1); short protein forms K251Q, K258Q.
Identifiers: ClinVar variation 2453703 (VCV002453703.4), dbSNP rs1671007017, ClinGen allele CA346367747.